The following is an entry in ClinVar:

NM_001165963.4(SCN1A):c.2416-3T>A

Gene: SCN1A (sodium voltage-gated channel alpha subunit 1; minus strand). Cytogenetic location: 2q24.3.
Variant type: single nucleotide variant.
Coding change: c.2416-3T>A on transcript NM_001165963.4 (MANE Select); 3 bases into the intron before coding-DNA position 2416, T replaced by A.
Molecular consequence: intron variant.
Genome position (GRCh38, 1-based): chr2:166,039,599, A>T on the plus strand (T>A on the coding strand, the complement: SCN1A is on the minus strand). VCF-style: chr2-166039599-A-T. GRCh37 (hg19) VCF-style: chr2-166896109-A-T.
Other names: c.2383-3T>A (NM_001353949.2, NM_001353950.2, NM_001353951.2 and 2 more transcripts); c.2332-3T>A (NM_001353958.2, NM_001353957.2, NM_001165964.3); c.2416-3T>A (NM_001202435.3, NM_001353948.2); c.2380-3T>A (NM_001353955.2, NM_001353954.2); c.2329-3T>A (NM_001353960.2); c.-27-3T>A (NM_001353961.2).
Identifiers: ClinVar variation 3377949 (VCV003377949.1).

ClinVar aggregate classification (germline): Uncertain significance (1 of 4 stars; one submission).

Submission:

GeneDx
Classification: Uncertain significance. Last evaluated: 2024-05-16. Review status: criteria provided, single submitter. Criteria: GeneDx Variant Classification Process June 2021. Collection method: clinical testing. Allele origin: germline. Affected: yes.
Comment: Not observed at significant frequency in large population cohorts (gnomAD); In silico analysis supports a deleterious effect on splicing; Has not been previously published as pathogenic or benign to our knowledge